The following is an entry in ClinVar:

ClinVar aggregate classification (germline): Conflicting classifications of pathogenicity. Review status: criteria provided, conflicting classifications (1 of 4 stars). 2 submissions from 2 submitters: Uncertain significance (1); Likely benign (1). Last evaluated 2026-02-05.

Conditions:
RIT1-related disorder. Also called: RIT1-related condition.

Allele frequency attached by ClinVar (database versions not stated): gnomAD exomes below 0.00001; gnomAD 0.00001; TOPMed 0.00005.
gnomAD v4.1: 3 of 1,613,988 alleles (0.00019%); highest among the groups gnomAD compares: Admixed American, 0.005%; no homozygotes.

Submissions (2):

PreventionGenetics, part of Exact Sciences
Classification: Uncertain significance for RIT1-related condition. Last evaluated: 2026-02-05. Review status: criteria provided, single submitter. Criteria: ACMG Guidelines, 2015. Collection method: clinical testing. Allele origin: germline.
Comment: The RIT1 c.22G>A variant is predicted to result in the amino acid substitution p.Gly8Arg. To our knowledge, this variant has not been reported in the literature or in a large population database (gnomAD), indicating this variant is rare. At this time, the clinical significance of this variant is uncertain due to the absence of conclusive functional and genetic evidence.

GeneDx
Classification: Likely benign. Last evaluated: 2017-07-18. Review status: criteria provided, single submitter. Criteria: GeneDx Variant Classification (06012015). Collection method: clinical testing. Allele origin: germline. Affected: yes.
Comment: This variant is considered likely benign or benign based on one or more of the following criteria: it is a conservative change, it occurs at a poorly conserved position in the protein, it is predicted to be benign by multiple in silico algorithms, and/or has population frequency not consistent with disease.

NM_006912.6(RIT1):c.-30G>A

Gene: RIT1 (Ras like without CAAX 1; minus strand). Cytogenetic location: 1q22.
Variant type: single nucleotide variant.
Coding change: c.-30G>A on transcript NM_006912.6 (MANE Select); 30 bases upstream of the start codon, G replaced by A.
Molecular consequence: 5 prime UTR variant. On other transcripts: missense variant (1), intron variant (1).
Genome position (GRCh38, 1-based): chr1:155,910,791, C>T on the plus strand (G>A on the coding strand, the complement: RIT1 is on the minus strand). VCF-style: chr1-155910791-C-T. GRCh37 (hg19) VCF-style: chr1-155880582-C-T.
Other names: c.22G>A (NM_001256821.1); c.22G>A, p.Gly8Arg (NM_001256821.2); c.-2-285G>A (NM_001256820.2); c.-30G>A (LRG_1372t1); short protein forms G8R.
Identifiers: ClinVar variation 510943 (VCV000510943.2), dbSNP rs754822073, ClinGen allele CA30950986.